The following is an entry in ClinVar:

NM_015557.3(CHD5):c.5264G>A (p.Arg1755His)

Gene: CHD5 (chromodomain helicase DNA binding protein 5; minus strand). Cytogenetic location: 1p36.31.
Variant type: single nucleotide variant.
Coding change: c.5264G>A on transcript NM_015557.3 (MANE Select); coding-DNA position 5264, G replaced by A.
Protein change: p.Arg1755His; replaces arginine 1755 with histidine.
Molecular consequence: missense variant.
Genome position (GRCh38, 1-based): chr1:6,110,512, C>T on the plus strand (G>A on the coding strand, the complement: CHD5 is on the minus strand). VCF-style: chr1-6110512-C-T. GRCh37 (hg19) VCF-style: chr1-6170572-C-T.
Other names: short protein forms R1755H.
Identifiers: ClinVar variation 4614694 (VCV004614694.1).

ClinVar aggregate classification (germline): Uncertain significance (1 of 4 stars; one submission).

Conditions:
Inborn genetic diseases. Identifiers: MedGen C0950123, MeSH D030342.

gnomAD v4.1: 7 of 1,564,446 alleles (0.00045%); highest among the groups gnomAD compares: African/African-American, 0.0014%; no homozygotes.

Submission:

Ambry Genetics
Classification: Uncertain significance for Inborn genetic diseases. Last evaluated: 2025-12-03. Review status: criteria provided, single submitter. Criteria: Ambry Variant Classification Scheme 2023. Collection method: clinical testing. Allele origin: germline.
Comment: The c.5264G>A (p.R1755H) alteration is located in exon 37 (coding exon 37) of the CHD5 gene. This alteration results from a G to A substitution at nucleotide position 5264, causing the arginine (R) at amino acid position 1755 to be replaced by a histidine (H). Based on data from gnomAD, the A allele has an overall frequency of 0.003% (1/31350) total alleles studied. The highest observed frequency was 0.007% (1/15398) of European (non-Finnish) alleles. Based on insufficient or conflicting evidence, the clinical significance of this alteration remains unclear.